The following is an entry in ClinVar:

ClinVar aggregate classification (germline): Benign (1 of 4 stars; one submission).

Submission:

GeneDx
Classification: Benign. Last evaluated: 2012-02-14. Review status: criteria provided, single submitter. Criteria: GeneDx Variant Classification (06012015). Collection method: clinical testing. Allele origin: germline. Affected: yes.
Comment: This variant is considered likely benign or benign based on one or more of the following criteria: it is a conservative change, it occurs at a poorly conserved position in the protein, it is predicted to be benign by multiple in silico algorithms, and/or has population frequency not consistent with disease.

NM_003850.3(SUCLA2):c.*14T>A

Gene: SUCLA2 (succinate-CoA ligase ADP-forming subunit beta; minus strand). Cytogenetic location: 13q14.2.
Variant type: single nucleotide variant.
Coding change: c.*14T>A on transcript NM_003850.3 (MANE Select); 14 bases downstream of the stop codon, T replaced by A.
Molecular consequence: 3 prime UTR variant.
Genome position (GRCh38, 1-based): chr13:47,943,357, A>T on the plus strand (T>A on the coding strand, the complement: SUCLA2 is on the minus strand). VCF-style: chr13-47943357-A-T. GRCh37 (hg19) VCF-style: chr13-48517492-A-T.
Identifiers: ClinVar variation 203497 (VCV000203497.2), dbSNP rs1555255524, ClinGen allele CA293813.